The following is an entry in ClinVar:

ClinVar aggregate classification (germline): Conflicting classifications of pathogenicity. Review status: criteria provided, conflicting classifications (1 of 4 stars). 3 submissions from 3 submitters: Likely pathogenic (1); Uncertain significance (1). 1 of the submissions does not count toward it. Last evaluated 2025-11-25.

Conditions:
Tetralogy of Fallot (TOF). Identifiers: Orphanet 3303, MedGen C0039685, MONDO:0008542, OMIM 187500, HP:0001636.
DiGeorge syndrome. Also called: THIRD AND FOURTH PHARYNGEAL POUCH SYNDROME; Catch22. Identifiers: Orphanet 567, MedGen C0012236, MONDO:0008564, OMIM 188400.

Submissions (3):

GeneDx
Classification: Likely pathogenic. Last evaluated: 2025-11-25. Review status: criteria provided, single submitter. Criteria: GeneDx Variant Classification Process June 2021. Collection method: clinical testing. Allele origin: germline. Affected: yes.
Comment: Reported previously in a patient with interrupted aortic arch, but segregation information was not available on this individual (Gong et al., 2001); please note that this variant is referred to as 1399-1427dup30bp (466-476dup10Ala) using alternate nomenclature; Not observed at significant frequency in large population cohorts (gnomAD); In-frame duplicationof 10 amino acid(s); This variant is associated with the following publications: (PMID: 11748311, 19948535)

Labcorp Genetics (formerly Invitae), Labcorp
Classification: Uncertain significance for DiGeorge syndrome. Last evaluated: 2023-05-02. Review status: criteria provided, single submitter. Criteria: Invitae Variant Classification Sherloc (09022015). Collection method: clinical testing. Allele origin: germline.
Comment: In summary, the available evidence is currently insufficient to determine the role of this variant in disease. Therefore, it has been classified as a Variant of Uncertain Significance. Experimental studies have shown that this variant affects TBX1 function (PMID: 19948535). Algorithms developed to predict the effect of variants on protein structure and function are not available or were not evaluated for this variant. ClinVar contains an entry for this variant (Variation ID: 504072). This variant has been observed in individual(s) with TBX1-related conditions (PMID: 19948535). This variant is not present in population databases (gnomAD no frequency). This variant, c.1399_1428dup, results in the insertion of 10 amino acid(s) of the TBX1 protein (p.Ala467_Ala476dup), but otherwise preserves the integrity of the reading frame.

OMIM
Classification: Pathogenic for TETRALOGY OF FALLOT. Last evaluated: 2010-05-01. Review status: no assertion criteria provided. Collection method: literature only. Allele origin: germline. Not counted in ClinVar's aggregate classification.

Literature cited by the submitters: PubMed 19948535 (cited by Labcorp Genetics (formerly Invitae), Labcorp and OMIM).

NM_001379200.1(TBX1):c.1426_1455dup (p.Ala485_Asn486insAlaAlaAlaAlaAlaAlaAlaAlaAlaAla)

Gene: TBX1 (T-box transcription factor 1; plus strand). Cytogenetic location: 22q11.21.
Variant type: Duplication.
Coding change: c.1426_1455dup on transcript NM_001379200.1 (MANE Select); coding-DNA positions 1426 to 1455, 30 bases duplicated (GCCGCCGCTGCCGCAGCTGCCGCGGCCGCC).
Protein change: p.Ala485_Asn486insAlaAlaAlaAlaAlaAlaAlaAlaAlaAla.
Molecular consequence: inframe insertion. On other transcripts: intron variant (2).
Genome position (GRCh38, 1-based): chr22:19,766,778-19,766,807, GCCGCCGCTGCCGCAGCTGCCGCGGCCGCC duplicated; duplicating any 30 consecutive bases within chr22:19,766,766-19,766,807 gives the same sequence; the c. name uses the placement nearest the transcript's 3' end. VCF-style (leftmost placement, unchanged base first): chr22-19766765-C-CGCCGCGGCCGCCGCCGCCGCTGCCGCAGCT. GRCh37 (hg19) VCF-style: chr22-19754288-C-CGCCGCGGCCGCCGCCGCCGCTGCCGCAGCT.
Other names: c.1399_1428dup, p.Ala476_Asn477insAlaAlaAlaAlaAlaAlaAlaAlaAlaAla (NM_080647.1); c.1009+776_1009+805dup (NM_005992.1, NM_080646.2).
Identifiers: ClinVar variation 504072 (VCV000504072.9), dbSNP rs746335599, ClinGen allele CA658799491.